The following is an entry in ClinVar:

NM_001267550.2(TTN):c.50714G>A (p.Arg16905His)

Genes: TTN (titin; minus strand), TTN-AS1 (TTN antisense RNA 1; plus strand). Cytogenetic location: 2q31.2.
Variant type: single nucleotide variant.
Coding change: c.50714G>A on transcript NM_001267550.2 (MANE Select); coding-DNA position 50714, G replaced by A.
Protein change: p.Arg16905His; replaces arginine 16905 with histidine.
Molecular consequence: missense variant.
Genome position (GRCh38, 1-based): chr2:178,611,515, C>T on the plus strand (G>A on the coding strand, the complement: TTN is on the minus strand). VCF-style: chr2-178611515-C-T. GRCh37 (hg19) VCF-style: chr2-179476242-C-T.
Other names: p.R15264H:CGC>CAC; p.Arg15264His; c.23894G>A, p.Arg7965His (NM_133432.3); c.24095G>A, p.Arg8032His (NM_133437.4); c.45791G>A, p.Arg15264His (NM_001256850.1); c.23519G>A, p.Arg7840His (NM_003319.4); c.43010G>A, p.Arg14337His (NM_133378.4); short protein forms R14337H, R16905H, R15264H, R7840H, R8032H, R7965H.
Identifiers: ClinVar variation 166005 (VCV000166005.87), dbSNP rs191539637, ClinGen allele CA178813.

ClinVar aggregate classification (germline): Conflicting classifications of pathogenicity. Review status: criteria provided, conflicting classifications (1 of 4 stars). 27 submissions from 23 submitters: Likely pathogenic (1); Uncertain significance (8); Benign (3); Likely benign (10). 5 of the submissions do not count toward it. Last evaluated 2026-09-01.

Conditions:
Cardiovascular phenotype. Identifiers: MedGen CN230736.
TTN-related disorder. Also called: TTN-related disorders; TTN-related condition; TTN-related disease.
Autosomal recessive limb-girdle muscular dystrophy type 2J (LGMDR10). Also called: Limb-girdle muscular dystrophy, type 2J; MUSCULAR DYSTROPHY, LIMB-GIRDLE, AUTOSOMAL RECESSIVE 10. Identifiers: Orphanet 140922, MedGen C1837342, MONDO:0012127, OMIM 608807.
Dilated cardiomyopathy 1G (CMD1G). Identifiers: Orphanet 154, MedGen C1858763, MONDO:0011400, OMIM 604145.
Early-onset myopathy with fatal cardiomyopathy (CMYO5). Also called: Salih Myopathy; CONGENITAL MYOPATHY 5 WITH CARDIOMYOPATHY. Identifiers: Orphanet 289377, MedGen C2673677, MONDO:0012714, OMIM 611705. Disease mechanism: loss of function.
Myopathy, myofibrillar, 9, with early respiratory failure (MFM9). Also called: EDSTROM MYOPATHY; MYOPATHY, PROXIMAL, WITH EARLY RESPIRATORY MUSCLE INVOLVEMENT; Hereditary myopathy with early respiratory failure; Myopathy, distal, with early respiratory failure, autosomal dominant. Identifiers: Orphanet 178464, Orphanet 34521, MedGen C1863599, MONDO:0011362, OMIM 603689.
Primary dilated cardiomyopathy (DCM). Also called: Dilated Cardiomyopathy. Identifiers: Orphanet 217604, MedGen C0007193, MeSH D002311, MONDO:0005021, HP:0001644. Inheritance: Various modes of inheritance.
Tibial muscular dystrophy (TMD). Also called: Udd Distal Myopathy – Tibial Muscular Dystrophy; Tibial muscular dystrophy, tardive; UDD MYOPATHY. Identifiers: Orphanet 609, MedGen C1838244, MONDO:0010870, OMIM 600334.
Tip-toe gait. Also called: Toe walking. Identifiers: MedGen C0427144, HP:0030051.

Allele frequency attached by ClinVar (database versions not stated): TOPMed 0.00028; ExAC 0.00038; 1000 Genomes Project 0.00040; ESP Exome Variant Server 0.00041; gnomAD 0.00054 and 0.00055; 1000 Genomes Project 30x 0.00062.
gnomAD v4.1: 591 of 1,612,876 alleles (0.037%); highest among the groups gnomAD compares: Non-Finnish European, 0.033%; 1 homozygote.

Submissions 1 to 11 of 27:

CeGaT Center for Human Genetics Tuebingen
Classification: Likely benign. Last evaluated: 2026-09-01. Review status: criteria provided, single submitter. Criteria: CeGaT Center For Human Genetics Tuebingen Variant Classification Criteria Version 2. Collection method: clinical testing. Allele origin: germline. Affected: yes. Observed: 7 variant alleles.
Comment: TTN: BS2

Women's Health and Genetics/Laboratory Corporation of America, LabCorp
Classification: Likely benign. Last evaluated: 2026-04-20. Review status: criteria provided, single submitter. Criteria: LabCorp Variant Classification Summary - May 2015. Collection method: clinical testing. Allele origin: germline.
Comment: Variant summary: TTN c.43010G>A (p.Arg14337His) results in a non-conservative amino acid change in the encoded protein sequence. Algorithms developed to predict the effect of missense changes on protein structure and function are either unavailable or do not agree on the potential impact of this missense change. The variant allele was found at a frequency of 0.00039 in 247328 control chromosomes, predominantly at a frequency of 0.0025 within the Ashkenazi Jewish subpopulation in the gnomAD database. The observed variant frequency within Ashkenazi Jewish control individuals in the gnomAD database exceeds the estimated maximal expected allele frequency for disease-causing variants in TTN. c.43010G>A has been observed in individuals affected with Dilated Cardiomyopathy or Hypertrophic Cardiomyopathy, without strong evidence for causality (e.g. Wisniowska-Smialek_2024, Antheia_2025). These reports do not provide unequivocal conclusions about association of the variant with Dilated Cardiomyopathy or other TTN-related conditions. To our knowledge, no experimental evidence demonstrating an impact on protein function has been reported. The following publications have been ascertained in the context of this evaluation (PMID: 41214182, 39692270). ClinVar contains an entry for this variant (Variation ID: 166005). Based on the evidence outlined above, the variant was classified as likely benign.

Petrovsky National Research Centre of Surgery, The Federal Agency for Scientific Organizations
Classification: Uncertain significance for Primary dilated cardiomyopathy. Last evaluated: 2026-02-17. Review status: criteria provided, single submitter. Criteria: ACMG Guidelines, 2015. Collection method: clinical testing. Allele origin: germline. Affected: yes. Observed: 1 variant allele.
Comment: The variant is in The Genome Aggregation Database (gnomAD) v4.1.0 with total 0.0003664. (Date of access 2026-02-17). In accordance with ACMG (2015) criteria this variant is classified as Uncertain significance with following criteria selected: PM2, PS4_Supporting, BP1.

Labcorp Genetics (formerly Invitae), Labcorp
Classification: Likely benign for Dilated cardiomyopathy 1G; Autosomal recessive limb-girdle muscular dystrophy type 2J. Last evaluated: 2026-02-03. Review status: criteria provided, single submitter. Criteria: Invitae Variant Classification Sherloc (09022015). Collection method: clinical testing. Allele origin: germline.

Mayo Clinic Laboratories, Mayo Clinic
Classification: Likely benign. Last evaluated: 2025-05-21. Review status: criteria provided, single submitter. Criteria: ACMG Guidelines, 2015. Collection method: clinical testing. Allele origin: germline. Observed: 2 variant alleles.
Comment: BS1

Molecular Diagnostic Laboratory for Inherited Cardiovascular Disease, Montreal Heart Institute
Classification: Likely benign. Last evaluated: 2025-04-09. Review status: criteria provided, single submitter. Criteria: ACMG Guidelines, 2015. Collection method: clinical testing. Allele origin: germline. Affected: no.

Laboratory of Genetics, Children's Clinical University Hospital Latvia
Classification: Likely benign. Last evaluated: 2025-02-16. Review status: criteria provided, single submitter. Criteria: ACMG Guidelines, 2015. Collection method: clinical testing. Allele origin: germline. Affected: yes.

Revvity Omics, Revvity
Classification: Uncertain significance. Last evaluated: 2024-12-02. Review status: criteria provided, single submitter. Criteria: ACMG Guidelines, 2015. Collection method: clinical testing. Allele origin: germline.

Blueprint Genetics
Classification: Likely benign. Last evaluated: 2024-11-17. Review status: criteria provided, single submitter. Criteria: ACMG Guidelines, 2015. Collection method: clinical testing. Allele origin: germline.

Practice for Gait Abnormalities, David Pomarino, Competency Network Toe Walking C/o Practice Pomarino
Classification: Likely pathogenic for Tip-toe gait. Last evaluated: 2022-01-11. Review status: criteria provided, single submitter. Criteria: ACMG Guidelines, 2015. Collection method: clinical testing. Allele origin: germline. Affected: yes.
Comment: Myopathy refers to diseases that affect skeletal Muscles. These diseases attack muscle fibers, making muscles weak. Inherited myopathies are often caused by inheriting an abnormal gene mutation from a parent that causes the disease. Symptoms of congenital myopathies usually start at birth or in early childhood, but may not appear until the teen years or even later in adulthood. Congenital myopathies are somewhat unique compared with other inherited myopathies, as weakness typically affects all muscles and is often not progressive. Symptoms are: Muscle weakness, most commonly of upper arms and shoulders and thighs, muscle cramps, stiffness and spasms, fatigue with exertion and lack of energy. Our patients all walk on tiptoe, so they show similar symptoms. When we genetically test them with our toe walking panel, we find that around 90 per cent of them have a genetic variant that explains their toe walking. These can be assigned, for example, to the area of myopathies (such as variants of the COL6A3 gene), the area of hereditary neuropathies (such as variants of the KMT2C gene) or the area of metabolic diseases (such as variants of the PYGM gene). In a smaller group of patients with almost identical symptoms, no abnormality is found in the genes of our panel, but spastic paraplegia can be detected. In another small group of our toe walkers, no abnormalities can be detected in the genes analysed in our toe walking panel, nor do they suffer from spastic paraplegia, as is also the case with healthy children. In contrast to these, however, they show a tiptoe gait. These patients suffer from infantile cerebral palsy, in which toe walking can also be observed.

ARUP Laboratories, Molecular Genetics and Genomics, ARUP Laboratories
Classification: Uncertain significance. Last evaluated: 2019-12-28. Review status: criteria provided, single submitter. Criteria: ARUP Molecular Germline Variant Investigation Process. Collection method: clinical testing. Allele origin: germline.
Comment: The TTN c.50714G>A; p.Arg16905His variant (rs191539637; ClinVar Variation ID: 166005) is rare in the general population (<1% allele frequency in the Genome Aggregation Database) and has not been reported in the medical literature in association with dilated cardiomyopathy (DCM) or other TTN-related disease. The clinical relevance of rare missense variants in this gene, which are identified on average once per individual sequenced in affected populations (Herman 2012), is not well understood. Yet, evidence suggests that the vast majority of such missense variants do not contribute to the clinical outcome of DCM (Begay 2015). Thus, the clinical significance of the p.Arg16905His variant cannot be determined with certainty. References: Begay RL et al. Role of Titin Missense Variants in Dilated Cardiomyopathy. J Am Heart Assoc. 2015 Nov 13;4(11). Herman DS et al. Truncations of titin causing dilated cardiomyopathy. N Engl J Med. 2012 Feb 16;366(7):619-28. Linke and Hamdani. Gigantic business: titin properties and function through thick and thin. Circ Res 2014; 114(6): 1052-1068.